The following is an entry in ClinVar:

NM_014159.7(SETD2):c.1369G>C (p.Glu457Gln)

Gene: SETD2 (SET domain containing 2, histone lysine methyltransferase; minus strand). Cytogenetic location: 3p21.31.
Variant type: single nucleotide variant.
Coding change: c.1369G>C on transcript NM_014159.7 (MANE Select); coding-DNA position 1369, G replaced by C.
Protein change: p.Glu457Gln; replaces glutamic acid 457 with glutamine.
Molecular consequence: missense variant. On other transcripts: non-coding transcript variant (1).
Genome position (GRCh38, 1-based): chr3:47,123,267, C>G on the plus strand (G>C on the coding strand, the complement: SETD2 is on the minus strand). VCF-style: chr3-47123267-C-G. GRCh37 (hg19) VCF-style: chr3-47164757-C-G.
Other names: c.1237G>C, p.Glu413Gln (NM_001349370.3); short protein forms E457Q, E413Q.
Identifiers: ClinVar variation 4742186 (VCV004742186.1).

ClinVar aggregate classification (germline): Uncertain significance (1 of 4 stars; one submission).

Conditions:
Luscan-Lumish syndrome. Identifiers: Orphanet 597738, MedGen C4085873, MONDO:0014791, OMIM 616831.

Submission:

Labcorp Genetics (formerly Invitae), Labcorp
Classification: Uncertain significance for Luscan-Lumish syndrome. Last evaluated: 2025-05-06. Review status: criteria provided, single submitter. Criteria: Invitae Variant Classification Sherloc (09022015). Collection method: clinical testing. Allele origin: germline.
Comment: This sequence change replaces glutamic acid, which is acidic and polar, with glutamine, which is neutral and polar, at codon 457 of the SETD2 protein (p.Glu457Gln). This variant is not present in population databases (gnomAD no frequency). This variant has not been reported in the literature in individuals affected with SETD2-related conditions. Invitae Evidence Modeling of protein sequence and biophysical properties (such as structural, functional, and spatial information, amino acid conservation, physicochemical variation, residue mobility, and thermodynamic stability) indicates that this missense variant is not expected to disrupt SETD2 protein function with a negative predictive value of 80%. In summary, the available evidence is currently insufficient to determine the role of this variant in disease. Therefore, it has been classified as a Variant of Uncertain Significance.